The following is an entry in ClinVar:

NM_020638.3(FGF23):c.313T>A (p.Ser105Thr)

Gene: FGF23 (fibroblast growth factor 23; minus strand). Cytogenetic location: 12p13.32.
Variant type: single nucleotide variant.
Coding change: c.313T>A on transcript NM_020638.3 (MANE Select); coding-DNA position 313, T replaced by A.
Protein change: p.Ser105Thr; replaces serine 105 with threonine.
Molecular consequence: missense variant.
Genome position (GRCh38, 1-based): chr12:4,372,596, A>T on the plus strand (T>A on the coding strand, the complement: FGF23 is on the minus strand). VCF-style: chr12-4372596-A-T. GRCh37 (hg19) VCF-style: chr12-4481762-A-T.
Other names: short protein forms S105T.
Identifiers: ClinVar variation 1505152 (VCV001505152.7), dbSNP rs1865075955, ClinGen allele CA383416596.

ClinVar aggregate classification (germline): Uncertain significance. Review status: criteria provided, multiple submitters, no conflicts (2 of 4 stars). 2 submissions from 2 submitters: Uncertain significance (2). Last evaluated 2024-12-09.

Conditions:
Tumoral calcinosis, hyperphosphatemic, familial, 2. Identifiers: MedGen C4693863, MONDO:0060714, OMIM 617993.
Autosomal dominant hypophosphatemic rickets (ADHR). Also called: VITAMIN D-RESISTANT RICKETS, AUTOSOMAL DOMINANT; HYPOPHOSPHATEMIA, AUTOSOMAL DOMINANT. Identifiers: Orphanet 89937, MedGen C0342642, MONDO:0008660, OMIM 193100.

Allele frequency attached by ClinVar (database versions not stated): TOPMed 0.00001.

Submissions (2):

Labcorp Genetics (formerly Invitae), Labcorp
Classification: Uncertain significance. Last evaluated: 2024-12-09. Review status: criteria provided, single submitter. Criteria: Invitae Variant Classification Sherloc (09022015). Collection method: clinical testing. Allele origin: germline.
Comment: This sequence change replaces serine, which is neutral and polar, with threonine, which is neutral and polar, at codon 105 of the FGF23 protein (p.Ser105Thr). This variant is not present in population databases (gnomAD no frequency). This variant has not been reported in the literature in individuals affected with FGF23-related conditions. ClinVar contains an entry for this variant (Variation ID: 1505152). Invitae Evidence Modeling of protein sequence and biophysical properties (such as structural, functional, and spatial information, amino acid conservation, physicochemical variation, residue mobility, and thermodynamic stability) indicates that this missense variant is expected to disrupt FGF23 protein function with a positive predictive value of 95%. In summary, the available evidence is currently insufficient to determine the role of this variant in disease. Therefore, it has been classified as a Variant of Uncertain Significance.

Fulgent Genetics
Classification: Uncertain significance for Autosomal dominant hypophosphatemic rickets; Tumoral calcinosis, hyperphosphatemic, familial, 2. Last evaluated: 2021-07-24. Review status: criteria provided, single submitter. Criteria: ACMG Guidelines, 2015. Collection method: clinical testing. Allele origin: unknown.